The following is an entry in ClinVar:

NM_000369.5(TSHR):c.1949A>G (p.Asn650Ser)

Genes: TSHR (thyroid stimulating hormone receptor; plus strand), TSHR-AS1 (TSHR antisense RNA 1; minus strand). Cytogenetic location: 14q31.1.
Variant type: single nucleotide variant.
Coding change: c.1949A>G on transcript NM_000369.5 (MANE Select); coding-DNA position 1949, A replaced by G.
Protein change: p.Asn650Ser; replaces asparagine 650 with serine.
Molecular consequence: missense variant.
Genome position (GRCh38, 1-based): chr14:81,144,007, A>G. VCF-style: chr14-81144007-A-G. GRCh37 (hg19) VCF-style: chr14-81610351-A-G.
Other names: short protein forms N650S.
Identifiers: ClinVar variation 3899147 (VCV003899147.1).

ClinVar aggregate classification (germline): Uncertain significance (1 of 4 stars; one submission).

Submission:

GeneDx
Classification: Uncertain significance. Last evaluated: 2024-11-10. Review status: criteria provided, single submitter. Criteria: GeneDx Variant Classification Process June 2021. Collection method: clinical testing. Allele origin: germline. Affected: yes.
Comment: Not observed at significant frequency in large population cohorts (gnomAD); In silico analysis indicates that this missense variant does not alter protein structure/function; Has not been previously published as pathogenic or benign to our knowledge